The following is an entry in ClinVar:

ClinVar aggregate classification (germline): Uncertain significance (1 of 4 stars; one submission).

Allele frequency attached by ClinVar (database versions not stated): gnomAD exomes below 0.00001.
gnomAD v4.1: 1 of 1,613,750 alleles (0.000062%); highest among the groups gnomAD compares: East Asian, 0.0022%; no homozygotes.

Submission:

GeneDx
Classification: Uncertain significance. Last evaluated: 2025-03-24. Review status: criteria provided, single submitter. Criteria: GeneDx Variant Classification Process June 2021. Collection method: clinical testing. Allele origin: germline. Affected: yes.
Comment: Has not been previously published as pathogenic or benign to our knowledge; Not observed at significant frequency in large population cohorts (gnomAD); In silico analysis indicates that this missense variant does not alter protein structure/function; Although located in a calcium-binding EGF-like domain of the FBN2 gene, it does not substitute or introduce a cysteine residue (PMID: 19006240, 18767143); This variant is associated with the following publications: (PMID: 19006240, 18767143)

NM_001999.4(FBN2):c.1924A>G (p.Ile642Val)

Gene: FBN2 (fibrillin 2; minus strand). Cytogenetic location: 5q23.3.
Variant type: single nucleotide variant.
Coding change: c.1924A>G on transcript NM_001999.4 (MANE Select); coding-DNA position 1924, A replaced by G.
Protein change: p.Ile642Val; replaces isoleucine 642 with valine.
Molecular consequence: missense variant.
Genome position (GRCh38, 1-based): chr5:128,376,779, T>C on the plus strand (A>G on the coding strand, the complement: FBN2 is on the minus strand). VCF-style: chr5-128376779-T-C. GRCh37 (hg19) VCF-style: chr5-127712472-T-C.
Other names: short protein forms I642V.
Identifiers: ClinVar variation 213390 (VCV000213390.3), dbSNP rs863223598, ClinGen allele CA323060.